The following is an entry in ClinVar:

NM_005631.5(SMO):c.754T>C (p.Phe252Leu)

Gene: SMO (smoothened, frizzled class receptor; plus strand). Cytogenetic location: 7q32.1.
Variant type: single nucleotide variant.
Coding change: c.754T>C on transcript NM_005631.5 (MANE Select); coding-DNA position 754, T replaced by C.
Protein change: p.Phe252Leu; replaces phenylalanine 252 with leucine.
Molecular consequence: missense variant.
Genome position (GRCh38, 1-based): chr7:129,205,616, T>C. VCF-style: chr7-129205616-T-C. GRCh37 (hg19) VCF-style: chr7-128845457-T-C.
Other names: c.754T>C (LRG_1393t1); short protein forms F252L.
Identifiers: ClinVar variation 982409 (VCV000982409.2), dbSNP rs1793751061, ClinGen allele CA369242931.
Genomic context (GRCh38, chr7:129,205,616, plus strand): 5'-CTGTGTCAGCAGAATAACCCTAACCTCACAGAATGGCCCACTTCTCTCTTCTAGGCCACA[T>C]TCGTGGCTGACTGGCGGAACTCGAATCGCTACCCTGCTGTTATTCTCTTCTACGTCAATG-3'
Protein context (NP_005622.1, residues 242-262): GLCTLFTLAT[Phe252Leu]VADWRNSNRY

ClinVar aggregate classification (germline): Likely pathogenic (1 of 4 stars; one submission).

Conditions:
Congenital hypothalamic hamartoma syndrome. Also called: PALLISTER-HALL-LIKE SYNDROME. Identifiers: MedGen C5435677, MONDO:0009436, OMIM 241800.

Submission:

Equipe Genetique des Anomalies du Developpement, Université de Bourgogne
Classification: Likely pathogenic for Congenital hypothalamic hamartoma syndrome. Last evaluated: 2020-10-05. Review status: criteria provided, single submitter. Criteria: ACMG Guidelines, 2015. Collection method: clinical testing. Allele origin: maternal. Affected: yes.
Comment: This variant was observed in compound heterozygosity with variant c.1198C>T

Literature cited by the submitters: PubMed 32413283; PubMed 30497210.